The following is an entry in ClinVar:

ClinVar aggregate classification (germline): Conflicting classifications of pathogenicity. Review status: criteria provided, conflicting classifications (1 of 4 stars). 5 submissions from 5 submitters: Uncertain significance (1); Benign (1); Likely benign (1). 2 of the submissions do not count toward it. Last evaluated 2026-01-18.

Conditions:
VPS13B-related disorder. Also called: VPS13B-related condition.
Cohen syndrome (COH1). Also called: PEPPER SYNDROME; Cutis verticis gyrata, retinitis pigmentosa, and sensorineural deafness. Identifiers: Orphanet 193, MedGen C0265223, MONDO:0008999, OMIM 216550.

Allele frequency attached by ClinVar (database versions not stated): gnomAD 0.00005 and 0.00006; TOPMed 0.00005; ExAC 0.00011; gnomAD exomes 0.00012 and 0.00004.
gnomAD v4.1: 75 of 1,614,050 alleles (0.0046%); highest among the groups gnomAD compares: Middle Eastern, 0.016%; no homozygotes.

Submissions (5):

Labcorp Genetics (formerly Invitae), Labcorp
Classification: Benign for Cohen syndrome. Last evaluated: 2026-01-18. Review status: criteria provided, single submitter. Criteria: Invitae Variant Classification Sherloc (09022015). Collection method: clinical testing. Allele origin: germline.

Blueprint Genetics
Classification: Likely benign. Last evaluated: 2024-07-19. Review status: criteria provided, single submitter. Criteria: ACMG Guidelines, 2015. Collection method: clinical testing. Allele origin: germline.

Illumina Laboratory Services, Illumina
Classification: Uncertain significance for Cohen syndrome. Last evaluated: 2018-01-12. Review status: criteria provided, single submitter. Criteria: ICSL Variant Classification Criteria 13 December 2019. Collection method: clinical testing. Allele origin: germline.

PreventionGenetics, part of Exact Sciences
Classification: Likely benign for VPS13B-related condition. Last evaluated: 2022-04-10. Review status: no assertion criteria provided. Collection method: clinical testing. Allele origin: germline. Not counted in ClinVar's aggregate classification.
Comment: This variant is classified as likely benign based on ACMG/AMP sequence variant interpretation guidelines (Richards et al. 2015 PMID: 25741868, with internal and published modifications).

Natera, Inc.
Classification: Likely benign for Cohen syndrome. Last evaluated: 2020-05-26. Review status: no assertion criteria provided. Collection method: clinical testing. Allele origin: germline. Not counted in ClinVar's aggregate classification.

NM_152564.5(VPS13B):c.11216-6T>C

Gene: VPS13B (vacuolar protein sorting 13 homolog B; plus strand). Cytogenetic location: 8q22.2.
Variant type: single nucleotide variant.
Coding change: c.11216-6T>C on transcript NM_152564.5 (MANE Select); 6 bases into the intron before coding-DNA position 11216, T replaced by C.
Molecular consequence: intron variant.
Genome position (GRCh38, 1-based): chr8:99,868,283, T>C. VCF-style: chr8-99868283-T-C. GRCh37 (hg19) VCF-style: chr8-100880511-T-C.
Other names: c.11291-6T>C (NM_017890.5); c.11216-6T>C (NM_152564.4).
Identifiers: ClinVar variation 704083 (VCV000704083.23), dbSNP rs780721865, ClinGen allele CA4825184.